The following is an entry in ClinVar:

NM_022367.4(SEMA4A):c.1423G>C (p.Ala475Pro)

Gene: SEMA4A (semaphorin 4A; plus strand). Cytogenetic location: 1q22.
Variant type: single nucleotide variant.
Coding change: c.1423G>C on transcript NM_022367.4 (MANE Select); coding-DNA position 1423, G replaced by C.
Protein change: p.Ala475Pro; replaces alanine 475 with proline.
Molecular consequence: missense variant.
Genome position (GRCh38, 1-based): chr1:156,174,929, G>C. VCF-style: chr1-156174929-G-C. GRCh37 (hg19) VCF-style: chr1-156144720-G-C.
Other names: c.1423G>C, p.Ala475Pro (NM_001193300.2, NM_001193301.2, NM_001370567.1); c.1027G>C, p.Ala343Pro (NM_001193302.2); c.1126G>C, p.Ala376Pro (NM_001370568.1); c.916G>C, p.Ala306Pro (NM_001370569.1, NM_001370571.1); short protein forms A475P, A306P, A343P, A376P.
Identifiers: ClinVar variation 2093307 (VCV002093307.4), dbSNP rs2103008807, ClinGen allele CA342809140.

ClinVar aggregate classification (germline): Uncertain significance (1 of 4 stars; one submission).

Submission:

Labcorp Genetics (formerly Invitae), Labcorp
Classification: Uncertain significance. Last evaluated: 2022-02-04. Review status: criteria provided, single submitter. Criteria: Invitae Variant Classification Sherloc (09022015). Collection method: clinical testing. Allele origin: germline.
Comment: This sequence change replaces alanine, which is neutral and non-polar, with proline, which is neutral and non-polar, at codon 475 of the SEMA4A protein (p.Ala475Pro). In summary, the available evidence is currently insufficient to determine the role of this variant in disease. Therefore, it has been classified as a Variant of Uncertain Significance. Algorithms developed to predict the effect of missense changes on protein structure and function are either unavailable or do not agree on the potential impact of this missense change (SIFT: "Tolerated"; PolyPhen-2: "Possibly Damaging"; Align-GVGD: "Class C0"). This variant has not been reported in the literature in individuals affected with SEMA4A-related conditions. This variant is not present in population databases (gnomAD no frequency).